The following is an entry in ClinVar:

NM_000285.4(PEPD):c.901G>T (p.Asp301Tyr)

Gene: PEPD (peptidase D; minus strand). Cytogenetic location: 19q13.11.
Variant type: single nucleotide variant.
Coding change: c.901G>T on transcript NM_000285.4 (MANE Select); coding-DNA position 901, G replaced by T.
Protein change: p.Asp301Tyr; replaces aspartic acid 301 with tyrosine.
Molecular consequence: missense variant.
Genome position (GRCh38, 1-based): chr19:33,401,787, C>A on the plus strand (G>T on the coding strand, the complement: PEPD is on the minus strand). VCF-style: chr19-33401787-C-A. GRCh37 (hg19) VCF-style: chr19-33892693-C-A.
Other names: c.778G>T, p.Asp260Tyr (NM_001166056.2); c.709G>T, p.Asp237Tyr (NM_001166057.2); short protein forms D237Y, D260Y, D301Y.
Identifiers: ClinVar variation 1306763 (VCV001306763.3), dbSNP rs574398144, ClinGen allele CA9364082.

ClinVar aggregate classification (germline): Uncertain significance. Review status: criteria provided, multiple submitters, no conflicts (2 of 4 stars). 2 submissions from 2 submitters: Uncertain significance (2). Last evaluated 2023-05-16.

Conditions:
PEPD-related disorder. Also called: PEPD-related condition.

Allele frequency attached by ClinVar (database versions not stated): gnomAD exomes below 0.00001; ExAC 0.00001; gnomAD 0.00001; 1000 Genomes Project 30x 0.00016; 1000 Genomes Project 0.00020.
gnomAD v4.1: 1 of 1,612,630 alleles (0.000062%); highest among the groups gnomAD compares: South Asian, 0.0011%; no homozygotes.

Submissions (2):

PreventionGenetics, part of Exact Sciences
Classification: Uncertain significance for PEPD-related condition. Last evaluated: 2023-05-16. Review status: criteria provided, single submitter. Criteria: ACMG Guidelines, 2015. Collection method: clinical testing. Allele origin: germline.
Comment: The PEPD c.901G>T variant is predicted to result in the amino acid substitution p.Asp301Tyr. To our knowledge, this variant has not been reported in the literature. This variant is reported in 0.0033% of alleles in individuals of South Asian descent in gnomAD. At this time, the clinical significance of this variant is uncertain due to the absence of conclusive functional and genetic evidence.

GeneDx
Classification: Uncertain significance. Last evaluated: 2019-07-26. Review status: criteria provided, single submitter. Criteria: GeneDx Variant Classification Process June 2021. Collection method: clinical testing. Allele origin: germline. Affected: yes.
Comment: Has not been previously published as pathogenic or benign to our knowledge; In silico analysis, which includes protein predictors and evolutionary conservation, supports a deleterious effect